The following is an entry in ClinVar:

NM_015166.4(MLC1):c.67C>T (p.Gln23Ter)

Gene: MLC1 (modulator of VRAC current 1; minus strand). Cytogenetic location: 22q13.33.
Variant type: single nucleotide variant.
Coding change: c.67C>T on transcript NM_015166.4 (MANE Select); coding-DNA position 67, C replaced by T.
Protein change: p.Gln23Ter; replaces glutamine 23 with a stop codon.
Molecular consequence: nonsense. On other transcripts: non-coding transcript variant (3), intron variant (1).
Genome position (GRCh38, 1-based): chr22:50,084,836, G>A on the plus strand (C>T on the coding strand, the complement: MLC1 is on the minus strand). VCF-style: chr22-50084836-G-A. GRCh37 (hg19) VCF-style: chr22-50523265-G-A.
Other names: c.67C>T, p.Gln23Ter (NM_001376472.1, NM_001376479.1, NM_001376474.1 and 10 more transcripts); c.-59+519C>T (NM_001376484.1); short protein forms Q23*.
Identifiers: ClinVar variation 371381 (VCV000371381.8), dbSNP rs1057517228, ClinGen allele CA16042032.

ClinVar aggregate classification (germline): Pathogenic/Likely pathogenic. Review status: criteria provided, multiple submitters, no conflicts (2 of 4 stars). 4 submissions from 4 submitters: Pathogenic (1); Likely pathogenic (2). 1 of the submissions does not count toward it. Last evaluated 2024-02-10.

Conditions:
Megalencephalic leukoencephalopathy with subcortical cysts 1 (MLC1). Also called: LEUKOENCEPHALOPATHY WITH SWELLING AND CYSTS; VACUOLATING MEGALENCEPHALIC LEUKOENCEPHALOPATHY WITH SUBCORTICAL CYSTS. Identifiers: Orphanet 2478, MedGen C5779875, MONDO:0024555, OMIM 604004.

Submissions (4):

Fulgent Genetics
Classification: Likely pathogenic for Megalencephalic leukoencephalopathy with subcortical cysts 1. Last evaluated: 2024-02-10. Review status: criteria provided, single submitter. Criteria: ACMG Guidelines, 2015. Collection method: clinical testing. Allele origin: germline.

Labcorp Genetics (formerly Invitae), Labcorp
Classification: Pathogenic. Last evaluated: 2023-05-19. Review status: criteria provided, single submitter. Criteria: Invitae Variant Classification Sherloc (09022015). Collection method: clinical testing. Allele origin: germline.
Comment: For these reasons, this variant has been classified as Pathogenic. ClinVar contains an entry for this variant (Variation ID: 371381). This variant has not been reported in the literature in individuals affected with MLC1-related conditions. This variant is not present in population databases (gnomAD no frequency). This sequence change creates a premature translational stop signal (p.Gln23*) in the MLC1 gene. It is expected to result in an absent or disrupted protein product. Loss-of-function variants in MLC1 are known to be pathogenic (PMID: 11254442, 16470554, 24824219).

Baylor Genetics
Classification: Likely pathogenic for Megalencephalic leukoencephalopathy with subcortical cysts 1. Last evaluated: 2023-01-18. Review status: criteria provided, single submitter. Criteria: ACMG Guidelines, 2015. Collection method: clinical testing. Allele origin: unknown.

Counsyl
Classification: Likely pathogenic for Megalencephalic leukoencephalopathy with subcortical cysts 1. Last evaluated: 2016-09-12. Review status: no assertion criteria provided. Collection method: clinical testing. Allele origin: unknown. Not counted in ClinVar's aggregate classification.

Literature cited by the submitters: PubMed 11254442 (cited by Labcorp Genetics (formerly Invitae), Labcorp); PubMed 16470554 (cited by Labcorp Genetics (formerly Invitae), Labcorp); PubMed 24824219 (cited by Labcorp Genetics (formerly Invitae), Labcorp).